The following is an entry in ClinVar:

ClinVar aggregate classification (germline): Uncertain significance (1 of 4 stars; one submission).

Conditions:
Fanconi anemia complementation group J. Also called: BRIP1-Related Fanconi Anemia. Identifiers: Orphanet 84, MedGen C1836860, MONDO:0012187, OMIM 609054.
Familial cancer of breast. Also called: BREAST CANCER, FAMILIAL; hereditary breast carcinoma; Hereditary breast cancer. Identifiers: Orphanet 227535, MedGen C0346153, MONDO:0016419, OMIM 114480. Disease mechanism: loss of function.

Submission:

Labcorp Genetics (formerly Invitae), Labcorp
Classification: Uncertain significance for Familial cancer of breast; Fanconi anemia complementation group J. Last evaluated: 2018-01-05. Review status: criteria provided, single submitter. Criteria: Invitae Variant Classification Sherloc (09022015). Collection method: clinical testing. Allele origin: germline.
Comment: This variant is an in-frame deletion of the genomic region encompassing exons 11-13 of the BRIP1 gene. It preserves the integrity of the reading frame. Gross deletion of exons 11-13 has been reported in the literature in an individual with ovarian cancer (PMID: 26720728). Experimental studies and prediction algorithms are not available for this variant, and the functional significance of the deleted amino acids is currently unknown. In summary, the available evidence is currently insufficient to determine the role of this variant in disease. Therefore, it has been classified as a Variant of Uncertain Significance.

Literature cited by the submitters: PubMed 26720728.

NC_000017.11:g.(?_61780255)_(61784430_?)del

Genes: BRIP1 (BRCA1 interacting DNA helicase 1; minus strand), LOC130061360 (ATAC-STARR-seq lymphoblastoid active region 12535; plus strand). Cytogenetic location: 17q23.2.
Variant type: Deletion.
Identifiers: ClinVar variation 530383 (VCV000530383.2).